The following is an entry in ClinVar:

NM_000829.4(GRIA4):c.2693C>T (p.Ala898Val)

Gene: GRIA4 (glutamate ionotropic receptor AMPA type subunit 4; plus strand). Cytogenetic location: 11q22.3.
Variant type: single nucleotide variant.
Coding change: c.2693C>T on transcript NM_000829.4 (MANE Select); coding-DNA position 2693, C replaced by T.
Protein change: p.Ala898Val; replaces alanine 898 with valine.
Molecular consequence: missense variant. On other transcripts: 3 prime UTR variant (4), non-coding transcript variant (1).
Genome position (GRCh38, 1-based): chr11:105,979,723, C>T. VCF-style: chr11-105979723-C-T. GRCh37 (hg19) VCF-style: chr11-105850450-C-T.
Other names: c.*151C>T (NM_001077243.3, NM_001440391.1, NM_001440392.1 and 1 more transcripts); c.2693C>T, p.Ala898Val (NM_001440382.1, NM_001440383.1, NM_001440384.1 and 3 more transcripts); c.2672C>T, p.Ala891Val (NM_001440388.1, NM_001440389.1, NM_001440390.1); c.2486C>T, p.Ala829Val (NM_001440394.1); c.2330C>T, p.Ala777Val (NM_001440395.1, NM_001440396.1); c.1739C>T, p.Ala580Val (NM_001440398.1); c.1442C>T, p.Ala481Val (NM_001440399.1); short protein forms A829V, A891V, A898V, A481V, A580V, A777V.
Identifiers: ClinVar variation 4719680 (VCV004719680.1).

ClinVar aggregate classification (germline): Uncertain significance (1 of 4 stars; one submission).

Submission:

Labcorp Genetics (formerly Invitae), Labcorp
Classification: Uncertain significance. Last evaluated: 2025-05-16. Review status: criteria provided, single submitter. Criteria: Invitae Variant Classification Sherloc (09022015). Collection method: clinical testing. Allele origin: germline.
Comment: This sequence change replaces alanine, which is neutral and non-polar, with valine, which is neutral and non-polar, at codon 898 of the GRIA4 protein (p.Ala898Val). This variant is not present in population databases (gnomAD no frequency). This variant has not been reported in the literature in individuals affected with GRIA4-related conditions. An algorithm developed to predict the effect of missense changes on protein structure and function (PolyPhen-2) suggests that this variant is likely to be tolerated. In summary, the available evidence is currently insufficient to determine the role of this variant in disease. Therefore, it has been classified as a Variant of Uncertain Significance.